The following is an entry in ClinVar:

NM_022436.3(ABCG5):c.1569C>T (p.Ile523=)

Genes: ABCG5 (ATP binding cassette subfamily G member 5; minus strand), DYNC2LI1 (dynein cytoplasmic 2 light intermediate chain 1; plus strand). Cytogenetic location: 2p21.
Variant type: single nucleotide variant.
Coding change: c.1569C>T on transcript NM_022436.3 (MANE Select); coding-DNA position 1569, C replaced by T.
Protein change: p.Ile523=; no amino-acid change (isoleucine 523 retained).
Molecular consequence: synonymous variant. On other transcripts: intron variant (2).
Genome position (GRCh38, 1-based): chr2:43,819,995, G>A on the plus strand (C>T on the coding strand, the complement: ABCG5 is on the minus strand). VCF-style: chr2-43819995-G-A. GRCh37 (hg19) VCF-style: chr2-44047134-G-A.
Other names: p.Ile523=; c.*16-7391G>A (NM_001348913.2, NM_001348912.2).
Identifiers: ClinVar variation 336037 (VCV000336037.15), dbSNP rs376969021, ClinGen allele CA1636228.
Genomic context (GRCh38, chr2:43,819,995, plus strand): 5'-AAGCACCCCCGCAATGGACAGCAGAGCCACTACACTGTTGACTATATTTGGATTTTGGAC[G>A]ATACCAAGTAGCACAAGAGTTAGAAATTCACCAATTAAGTGGGGGGCCAAGAGAGCAGCA-3'
Protein context (NP_071881.1, residues 513-533): GEFLTLVLLG[Ile523=]VQNPNIVNSV

ClinVar aggregate classification (germline): Conflicting classifications of pathogenicity. Review status: criteria provided, conflicting classifications (1 of 4 stars). 4 submissions from 4 submitters: Uncertain significance (1); Likely benign (3). Last evaluated 2025-10-27.

Conditions:
Cardiovascular phenotype. Identifiers: MedGen CN230736.
Sitosterolemia (STSL). Also called: PHYTOSTEROLEMIA. Identifiers: Orphanet 2882, MedGen C0342907, MONDO:0008863.
Sitosterolemia 1. Identifiers: MedGen C2749759, MONDO:0020747, OMIM 210250.

Allele frequency attached by ClinVar (database versions not stated): ESP Exome Variant Server 0.00008; gnomAD 0.00004 and 0.00006; TOPMed 0.00003.

Submissions (4):

Labcorp Genetics (formerly Invitae), Labcorp
Classification: Likely benign for Sitosterolemia. Last evaluated: 2025-10-27. Review status: criteria provided, single submitter. Criteria: Invitae Variant Classification Sherloc (09022015). Collection method: clinical testing. Allele origin: germline.

Mayo Clinic Laboratories, Mayo Clinic
Classification: Likely benign. Last evaluated: 2025-06-12. Review status: criteria provided, single submitter. Criteria: ACMG Guidelines, 2015. Collection method: clinical testing. Allele origin: germline. Observed: 2 variant alleles.
Comment: BP4, BP7

Ambry Genetics
Classification: Likely benign for Cardiovascular phenotype. Last evaluated: 2019-10-20. Review status: criteria provided, single submitter. Criteria: Ambry Variant Classification Scheme 2023. Collection method: clinical testing. Allele origin: germline.

Illumina Laboratory Services, Illumina
Classification: Uncertain significance for Sitosterolemia 1. Last evaluated: 2018-01-12. Review status: criteria provided, single submitter. Criteria: ICSL Variant Classification Criteria 13 December 2019. Collection method: clinical testing. Allele origin: germline.